The following is an entry in ClinVar:

NM_006073.4(TRDN):c.1206A>T (p.Lys402Asn)

Gene: TRDN (triadin; minus strand). Cytogenetic location: 6q22.31.
Variant type: single nucleotide variant.
Coding change: c.1206A>T on transcript NM_006073.4 (MANE Select); coding-DNA position 1206, A replaced by T.
Protein change: p.Lys402Asn; replaces lysine 402 with asparagine.
Molecular consequence: missense variant.
Genome position (GRCh38, 1-based): chr6:123,377,879, T>A on the plus strand (A>T on the coding strand, the complement: TRDN is on the minus strand). VCF-style: chr6-123377879-T-A. GRCh37 (hg19) VCF-style: chr6-123699024-T-A.
Other names: c.1209A>T, p.Lys403Asn (NM_001251987.2); c.1206A>T (NM_006073.2); short protein forms K402N, K403N.
Identifiers: ClinVar variation 424215 (VCV000424215.5), dbSNP rs745563456, ClinGen allele CA16618237.

ClinVar aggregate classification (germline): Uncertain significance. Review status: criteria provided, multiple submitters, no conflicts (2 of 4 stars). 3 submissions from 3 submitters: Uncertain significance (3). Last evaluated 2024-03-13.

Conditions:
Catecholaminergic polymorphic ventricular tachycardia 5 (CARDAR). Also called: CARDIAC ARRHYTHMIA SYNDROME, WITH OR WITHOUT SKELETAL MUSCLE WEAKNESS; Ventricular tachycardia, catecholaminergic polymorphic, 5, with or without muscle weakness. Identifiers: Orphanet 3286, MedGen C3809536, MONDO:0014191, OMIM 615441.
Catecholaminergic polymorphic ventricular tachycardia 1. Also called: RYR2-Related Catecholaminergic Polymorphic Ventricular Tachycardia; VENTRICULAR TACHYCARDIA, STRESS-INDUCED POLYMORPHIC 1; VENTRICULAR TACHYCARDIA, CATECHOLAMINERGIC POLYMORPHIC, 1, WITH OR WITHOUT ATRIAL DYSFUNCTION AND/OR DILATED CARDIOMYOPATHY. Identifiers: Orphanet 3286, MedGen C1631597, MONDO:0011484, OMIM 604772.
Cardiovascular phenotype. Identifiers: MedGen CN230736.

Allele frequency attached by ClinVar (database versions not stated): gnomAD 0.00001.
gnomAD v4.1: 2 of 1,528,822 alleles (0.00013%); highest among the groups gnomAD compares: African/African-American, 0.0028%; no homozygotes.

Submissions (3):

Ambry Genetics
Classification: Uncertain significance for Cardiovascular phenotype. Last evaluated: 2024-03-13. Review status: criteria provided, single submitter. Criteria: Ambry Variant Classification Scheme 2023. Collection method: clinical testing. Allele origin: germline.
Comment: The p.K402N variant (also known as c.1206A>T), located in coding exon 17 of the TRDN gene, results from an A to T substitution at nucleotide position 1206. The lysine at codon 402 is replaced by asparagine, an amino acid with similar properties. This amino acid position is conserved. In addition, this alteration is predicted to be tolerated by in silico analysis. Based on the available evidence, the clinical significance of this alteration remains unclear.

GeneDx
Classification: Uncertain significance. Last evaluated: 2023-06-05. Review status: criteria provided, single submitter. Criteria: GeneDx Variant Classification Process June 2021. Collection method: clinical testing. Allele origin: germline. Affected: yes.
Comment: Not observed at significant frequency in large population cohorts (gnomAD); In silico analysis supports that this missense variant does not alter protein structure/function; Has not been previously published as pathogenic or benign to our knowledge

Fulgent Genetics
Classification: Uncertain significance for Catecholaminergic polymorphic ventricular tachycardia 1; Catecholaminergic polymorphic ventricular tachycardia 5. Last evaluated: 2021-07-23. Review status: criteria provided, single submitter. Criteria: ACMG Guidelines, 2015. Collection method: clinical testing. Allele origin: unknown.